The following is an entry in ClinVar:

NM_003906.5(MCM3AP):c.4501C>A (p.Leu1501Ile)

Genes: MCM3AP (minichromosome maintenance complex component 3 associated protein; minus strand), MCM3AP-AS1 (MCM3AP antisense RNA 1; plus strand). Cytogenetic location: 21q22.3.
Variant type: single nucleotide variant.
Coding change: c.4501C>A on transcript NM_003906.5 (MANE Select); coding-DNA position 4501, C replaced by A.
Protein change: p.Leu1501Ile; replaces leucine 1501 with isoleucine.
Molecular consequence: missense variant.
Genome position (GRCh38, 1-based): chr21:46,246,676, G>T on the plus strand (C>A on the coding strand, the complement: MCM3AP is on the minus strand). VCF-style: chr21-46246676-G-T. GRCh37 (hg19) VCF-style: chr21-47666590-G-T.
Other names: c.4501C>A (NM_003906.3); short protein forms L1501I.
Identifiers: ClinVar variation 1911240 (VCV001911240.3), dbSNP rs373818201, ClinGen allele CA10076113.

ClinVar aggregate classification (germline): Uncertain significance. Review status: criteria provided, multiple submitters, no conflicts (2 of 4 stars). 2 submissions from 2 submitters: Uncertain significance (2). Last evaluated 2025-05-21.

Conditions:
Inborn genetic diseases. Identifiers: MedGen C0950123, MeSH D030342.

Allele frequency attached by ClinVar (database versions not stated): ExAC 0.00002.

Submissions (2):

Ambry Genetics
Classification: Uncertain significance for Inborn genetic diseases. Last evaluated: 2025-05-21. Review status: criteria provided, single submitter. Criteria: Ambry Variant Classification Scheme 2023. Collection method: clinical testing. Allele origin: germline.

Labcorp Genetics (formerly Invitae), Labcorp
Classification: Uncertain significance. Last evaluated: 2022-05-31. Review status: criteria provided, single submitter. Criteria: Invitae Variant Classification Sherloc (09022015). Collection method: clinical testing. Allele origin: germline.
Comment: This sequence change replaces leucine, which is neutral and non-polar, with isoleucine, which is neutral and non-polar, at codon 1501 of the MCM3AP protein (p.Leu1501Ile). This variant is present in population databases (rs373818201, gnomAD 0.006%). This variant has not been reported in the literature in individuals affected with MCM3AP-related conditions. Algorithms developed to predict the effect of missense changes on protein structure and function are either unavailable or do not agree on the potential impact of this missense change (SIFT: "Tolerated"; PolyPhen-2: "Probably Damaging"; Align-GVGD: "Class C0"). In summary, the available evidence is currently insufficient to determine the role of this variant in disease. Therefore, it has been classified as a Variant of Uncertain Significance.